The following is an entry in ClinVar:

NM_001148.6(ANK2):c.3674G>A (p.Arg1225Lys)

Gene: ANK2 (ankyrin 2; plus strand). Cytogenetic location: 4q26.
Variant type: single nucleotide variant.
Coding change: c.3674G>A on transcript NM_001148.6 (MANE Select); coding-DNA position 3674, G replaced by A.
Protein change: p.Arg1225Lys; replaces arginine 1225 with lysine.
Molecular consequence: missense variant.
Genome position (GRCh38, 1-based): chr4:113,336,659, G>A. VCF-style: chr4-113336659-G-A. GRCh37 (hg19) VCF-style: chr4-114257815-G-A.
Other names: c.3575G>A, p.Arg1192Lys (NM_001354228.2, NM_001354258.2); c.3653G>A, p.Arg1218Lys (NM_001354230.2); c.3716G>A, p.Arg1239Lys (NM_001354231.2, NM_001354242.2); c.3710G>A, p.Arg1237Lys (NM_001354232.2); c.1202G>A, p.Arg401Lys (NM_001354278.2, NM_001354281.2); c.1238G>A, p.Arg413Lys (NM_001354279.2, NM_001354282.2); c.1223G>A, p.Arg408Lys (NM_001354280.2); c.3473G>A, p.Arg1158Lys (NM_001386142.1, NM_001386154.1, NM_001354274.2); and 31 more; short protein forms R1158K, R1163K, R1173K, R1178K, R1192K, R1204K, R1216K, R1224K.
Identifiers: ClinVar variation 3665702 (VCV003665702.2).

ClinVar aggregate classification (germline): Uncertain significance (1 of 4 stars; one submission).

Conditions:
Long QT syndrome (LQTS). Identifiers: MedGen C0023976, MeSH D008133, MONDO:0002442. Disease mechanism: loss of function. Inheritance: Various modes of inheritance.

gnomAD v4.1: 1 of 1,614,156 alleles (0.000062%); highest among the groups gnomAD compares: East Asian, 0.0022%; no homozygotes.

Submission:

Labcorp Genetics (formerly Invitae), Labcorp
Classification: Uncertain significance for Long QT syndrome. Last evaluated: 2025-01-05. Review status: criteria provided, single submitter. Criteria: Invitae Variant Classification Sherloc (09022015). Collection method: clinical testing. Allele origin: germline.
Comment: This sequence change replaces arginine, which is basic and polar, with lysine, which is basic and polar, at codon 1225 of the ANK2 protein (p.Arg1225Lys). This variant is not present in population databases (gnomAD no frequency). This variant has not been reported in the literature in individuals affected with ANK2-related conditions. Invitae Evidence Modeling of protein sequence and biophysical properties (such as structural, functional, and spatial information, amino acid conservation, physicochemical variation, residue mobility, and thermodynamic stability) indicates that this missense variant is expected to disrupt ANK2 protein function with a positive predictive value of 80%. In summary, the available evidence is currently insufficient to determine the role of this variant in disease. Therefore, it has been classified as a Variant of Uncertain Significance.